The following is an entry in ClinVar:

NM_000052.7(ATP7A):c.15G>A (p.Met5Ile)

Gene: ATP7A (ATPase copper transporting alpha; plus strand). Cytogenetic location: Xq21.1.
Variant type: single nucleotide variant.
Coding change: c.15G>A on transcript NM_000052.7 (MANE Select); coding-DNA position 15, G replaced by A.
Protein change: p.Met5Ile; replaces methionine 5 with isoleucine.
Molecular consequence: missense variant. On other transcripts: non-coding transcript variant (1).
Genome position (GRCh38, 1-based): chrX:77,971,656, G>A. VCF-style: chrX-77971656-G-A. GRCh37 (hg19) VCF-style: chrX-77227153-G-A.
Other names: c.15G>A, p.Met5Ile (NM_001282224.2); short protein forms M5I.
Identifiers: ClinVar variation 590209 (VCV000590209.15), dbSNP rs781952393, ClinGen allele CA10458877.

ClinVar aggregate classification (germline): Conflicting classifications of pathogenicity. Review status: criteria provided, conflicting classifications (1 of 4 stars). 3 submissions from 3 submitters: Uncertain significance (2); Likely benign (1). Last evaluated 2025-12-28.

Conditions:
Inborn genetic diseases. Identifiers: MedGen C0950123, MeSH D030342.
Menkes kinky-hair syndrome (MNK). Also called: Menkes Disease; Copper transport disease; Classic Menkes Disease. Identifiers: Orphanet 565, MedGen C0022716, MONDO:0010651, OMIM 309400.
Cutis laxa, X-linked (OHS). Also called: EDS IX; Occipital horn syndrome. Identifiers: Orphanet 198, MedGen C0268353, MONDO:0010572, OMIM 304150.
X-linked distal spinal muscular atrophy type 3. Also called: ATP7A-Related Distal Motor Neuropathy; NEURONOPATHY, DISTAL HEREDITARY MOTOR, X-LINKED; NEUROPATHY, DISTAL HEREDITARY MOTOR, X-LINKED; SPINAL MUSCULAR ATROPHY, DISTAL, X-LINKED RECESSIVE. Identifiers: Orphanet 139557, MedGen C1845359, MONDO:0010338, OMIM 300489.

Allele frequency attached by ClinVar (database versions not stated): ExAC 0.00001; gnomAD exomes 0.00001 and 0.00002; gnomAD 0.00002 and 0.00003; TOPMed 0.00002.
gnomAD v4.1: 29 of 1,208,698 alleles (0.0024%); highest among the groups gnomAD compares: East Asian, 0.012%; no homozygotes.

Submissions (3):

Labcorp Genetics (formerly Invitae), Labcorp
Classification: Likely benign for X-linked distal spinal muscular atrophy type 3; Cutis laxa, X-linked; Menkes kinky-hair syndrome. Last evaluated: 2025-12-28. Review status: criteria provided, single submitter. Criteria: Invitae Variant Classification Sherloc (09022015). Collection method: clinical testing. Allele origin: germline.

GeneDx
Classification: Uncertain significance. Last evaluated: 2024-04-30. Review status: criteria provided, single submitter. Criteria: GeneDx Variant Classification Process June 2021. Collection method: clinical testing. Allele origin: germline. Affected: yes.
Comment: Has not been previously published as pathogenic or benign to our knowledge; In silico analysis supports that this missense variant does not alter protein structure/function

Ambry Genetics
Classification: Uncertain significance for Inborn genetic diseases. Last evaluated: 2018-01-19. Review status: criteria provided, single submitter. Criteria: Ambry Variant Classification Scheme 2023. Collection method: clinical testing. Allele origin: germline.
Comment: The p.M5I variant (also known as c.15G>A), located in coding exon 1 of the ATP7A gene, results from a G to A substitution at nucleotide position 15. The methionine at codon 5 is replaced by isoleucine, an amino acid with highly similar properties. This amino acid position is not well conserved in available vertebrate species, and isoleucine is the reference amino acid in other vertebrate species. In addition, the in silico prediction for this alteration is inconclusive. Since supporting evidence is limited at this time, the clinical significance of this alteration remains unclear.